The following is an entry in ClinVar:

NM_003837.4(FBP2):c.705+3G>C

Genes: FBP2 (fructose-bisphosphatase 2; minus strand), PCAT7 (prostate cancer associated transcript 7; plus strand). Cytogenetic location: 9q22.32.
Variant type: single nucleotide variant.
Coding change: c.705+3G>C on transcript NM_003837.4 (MANE Select); 3 bases into the intron after coding-DNA position 705, G replaced by C.
Molecular consequence: intron variant.
Genome position (GRCh38, 1-based): chr9:94,567,267, C>G on the plus strand (G>C on the coding strand, the complement: FBP2 is on the minus strand). VCF-style: chr9-94567267-C-G. GRCh37 (hg19) VCF-style: chr9-97329549-C-G.
Identifiers: ClinVar variation 5019827 (VCV005019827.2).

ClinVar aggregate classification (germline): Uncertain significance (1 of 4 stars; one submission).

Conditions:
Leukodystrophy, childhood-onset, remitting (CORLK). Identifiers: MedGen C5676979, MONDO:0859246, OMIM 619864.

gnomAD v4.1: 1 of 1,614,098 alleles (0.000062%); highest among the groups gnomAD compares: Non-Finnish European, 0.000085%; no homozygotes.

Submission:

Juno Genomics, Hangzhou Juno Genomics, Inc
Classification: Uncertain significance for Leukodystrophy, childhood-onset, remitting. Review status: criteria provided, single submitter. Criteria: ACMG Guidelines, 2015. Collection method: clinical testing. Allele origin: germline.
Comment: Absent from controls (or at extremely low frequency if recessive) in Genome Aggregation Database.;Multiple lines of computational evidence support a deleterious effect on the gene or gene product.